The following is an entry in ClinVar:

NC_000015.10:g.84817253C>G

Gene: ALPK3 (alpha kinase 3; plus strand). Cytogenetic location: 15q25.3.
Variant type: single nucleotide variant.
Genome position: GRCh38 VCF-style: chr15-84817253-C-G. GRCh37 (hg19) VCF-style: chr15-85360484-C-G.
Other names: short protein forms S136C.
Identifiers: ClinVar variation 1306265 (VCV001306265.11), dbSNP rs1249463407, ClinGen allele CA393368845.

ClinVar aggregate classification (germline): Uncertain significance. Review status: criteria provided, multiple submitters, no conflicts (2 of 4 stars). 3 submissions from 3 submitters: Uncertain significance (3). Last evaluated 2025-12-17.

Conditions:
Cardiovascular phenotype. Identifiers: MedGen CN230736.

Allele frequency attached by ClinVar (database versions not stated): gnomAD 0.00001; TOPMed 0.00003.

Submissions (3):

Labcorp Genetics (formerly Invitae), Labcorp
Classification: Uncertain significance. Last evaluated: 2025-12-17. Review status: criteria provided, single submitter. Criteria: Invitae Variant Classification Sherloc (09022015). Collection method: clinical testing. Allele origin: germline.
Comment: This sequence change replaces serine, which is neutral and polar, with cysteine, which is neutral and slightly polar, at codon 136 of the ALPK3 protein (p.Ser136Cys). This variant is not present in population databases (gnomAD no frequency). This variant has not been reported in the literature in individuals affected with ALPK3-related conditions. ClinVar contains an entry for this variant (Variation ID: 1306265). An algorithm developed to predict the effect of missense changes on protein structure and function (PolyPhen-2) suggests that this variant is likely to be disruptive. In summary, the available evidence is currently insufficient to determine the role of this variant in disease. Therefore, it has been classified as a Variant of Uncertain Significance.

Ambry Genetics
Classification: Uncertain significance for Cardiovascular phenotype. Last evaluated: 2021-06-25. Review status: criteria provided, single submitter. Criteria: Ambry Variant Classification Scheme 2023. Collection method: clinical testing. Allele origin: germline.
Comment: The p.S136C variant (also known as c.407C>G), located in coding exon 1 of the ALPK3 gene, results from a C to G substitution at nucleotide position 407. The serine at codon 136 is replaced by cysteine, an amino acid with dissimilar properties. This amino acid position is not well conserved in available vertebrate species. In addition, this alteration is predicted to be tolerated by in silico analysis. Since supporting evidence is limited at this time, the clinical significance of this alteration remains unclear.

GeneDx
Classification: Uncertain significance. Last evaluated: 2019-02-18. Review status: criteria provided, single submitter. Criteria: GeneDx Variant Classification Process June 2021. Collection method: clinical testing. Allele origin: germline. Affected: yes.
Comment: Not observed in large population cohorts (Lek et al., 2016); In silico analysis, which includes protein predictors and evolutionary conservation, supports that this variant does not alter protein structure/function; Has not been previously published as pathogenic or benign to our knowledge